The following is an entry in ClinVar:

NM_006180.6(NTRK2):c.1026C>T (p.Tyr342=)

Gene: NTRK2 (neurotrophic receptor tyrosine kinase 2; plus strand). Cytogenetic location: 9q21.33.
Variant type: single nucleotide variant.
Coding change: c.1026C>T on transcript NM_006180.6 (MANE Select); coding-DNA position 1026, C replaced by T.
Protein change: p.Tyr342=; no amino-acid change (tyrosine 342 retained).
Molecular consequence: synonymous variant.
Genome position (GRCh38, 1-based): chr9:84,727,826, C>T. VCF-style: chr9-84727826-C-T. GRCh37 (hg19) VCF-style: chr9-87342741-C-T.
Other names: c.1026C>T, p.Tyr342= (NM_001007097.3, NM_001018064.3, NM_001018065.2 and 16 more transcripts); c.987C>T, p.Tyr329= (NM_001291937.2, NM_001369546.1); c.558C>T, p.Tyr186= (NM_001369535.1, NM_001369536.1, NM_001369550.1 and 2 more transcripts); c.1026C>T (NM_006180.4).
Identifiers: ClinVar variation 4770104 (VCV004770104.2).
Genomic context (GRCh38, chr9:84,727,826, plus strand): 5'-AATATTGAATGAGTCCAAATACATCTGTACTAAAATACATGTTACCAATCACACGGAGTA[C>T]CACGGCTGCCTCCAGCTGGATAATCCCACTCACATGAACAATGGGGACTACACTCTAATA-3'
Protein context (NP_006171.2, residues 332-352): TKIHVTNHTE[Tyr342=]HGCLQLDNPT

ClinVar aggregate classification (germline): Likely benign. Review status: criteria provided, multiple submitters, no conflicts (2 of 4 stars). 2 submissions from 2 submitters: Likely benign (2). Last evaluated 2026-07-29.

Conditions:
NTRK2-related disorder. Also called: NTRK2-related condition.

gnomAD v4.1: 6 of 1,614,152 alleles (0.00037%); highest among the groups gnomAD compares: Non-Finnish European, 0.00042%; no homozygotes.

Submissions (2):

PreventionGenetics, part of Exact Sciences
Classification: Likely benign for NTRK2-related condition. Last evaluated: 2026-07-29. Review status: criteria provided, single submitter. Criteria: ACMG Guidelines, 2015. Collection method: clinical testing. Allele origin: germline.
Comment: This variant is classified as likely benign based on ACMG/AMP sequence variant interpretation guidelines (Richards et al. 2015 PMID: 25741868, with internal and published modifications).

Labcorp Genetics (formerly Invitae), Labcorp
Classification: Likely benign. Last evaluated: 2026-01-21. Review status: criteria provided, single submitter. Criteria: Invitae Variant Classification Sherloc (09022015). Collection method: clinical testing. Allele origin: germline.